The following is an entry in ClinVar:

NM_000222.3(KIT):c.1081G>A (p.Asp361Asn)

Gene: KIT (KIT proto-oncogene, receptor tyrosine kinase; plus strand). Cytogenetic location: 4q12.
Variant type: single nucleotide variant.
Coding change: c.1081G>A on transcript NM_000222.3 (MANE Select); coding-DNA position 1081, G replaced by A.
Protein change: p.Asp361Asn; replaces aspartic acid 361 with asparagine.
Molecular consequence: missense variant.
Genome position (GRCh38, 1-based): chr4:54,707,253, G>A. VCF-style: chr4-54707253-G-A. GRCh37 (hg19) VCF-style: chr4-55573419-G-A.
Other names: c.1081G>A, p.Asp361Asn (NM_001093772.2, NM_001385285.1, NM_001385286.1); c.1084G>A, p.Asp362Asn (NM_001385284.1, NM_001385288.1, NM_001385290.1 and 1 more transcripts); short protein forms D361N, D362N.
Identifiers: ClinVar variation 3288755 (VCV003288755.2).

ClinVar aggregate classification (germline): Uncertain significance. Review status: criteria provided, multiple submitters, no conflicts (2 of 4 stars). 2 submissions from 2 submitters: Uncertain significance (2). Last evaluated 2025-06-25.

Conditions:
Hereditary cancer-predisposing syndrome. Also called: Neoplastic Syndromes, Hereditary; Tumor predisposition; Hereditary Cancer Syndrome; Hereditary neoplastic syndrome. Identifiers: Orphanet 140162, MedGen C0027672, MeSH D009386, MONDO:0015356.
Gastrointestinal stromal tumor. Also called: Gastrointestinal stromal tumor, somatic; Gastrointestinal stroma tumor. Identifiers: Orphanet 44890, MedGen C0238198, MeSH D046152, MONDO:0011719, OMIM 606764, HP:0100723.

Submissions (2):

Labcorp Genetics (formerly Invitae), Labcorp
Classification: Uncertain significance for Gastrointestinal stromal tumor. Last evaluated: 2025-06-25. Review status: criteria provided, single submitter. Criteria: Invitae Variant Classification Sherloc (09022015). Collection method: clinical testing. Allele origin: germline.
Comment: This sequence change replaces aspartic acid, which is acidic and polar, with asparagine, which is neutral and polar, at codon 361 of the KIT protein (p.Asp361Asn). This variant is not present in population databases (gnomAD no frequency). This variant has not been reported in the literature in individuals affected with KIT-related conditions. ClinVar contains an entry for this variant (Variation ID: 3288755). An algorithm developed to predict the effect of missense changes on protein structure and function outputs the following: PolyPhen-2: "Benign". The asparagine amino acid residue is found in multiple mammalian species, which suggests that this missense change does not adversely affect protein function. In summary, the available evidence is currently insufficient to determine the role of this variant in disease. Therefore, it has been classified as a Variant of Uncertain Significance.

Ambry Genetics
Classification: Uncertain significance for Hereditary cancer-predisposing syndrome. Last evaluated: 2024-05-06. Review status: criteria provided, single submitter. Criteria: Ambry Variant Classification Scheme 2023. Collection method: clinical testing. Allele origin: germline.
Comment: The p.D361N variant (also known as c.1081G>A), located in coding exon 6 of the KIT gene, results from a G to A substitution at nucleotide position 1081. The aspartic acid at codon 361 is replaced by asparagine, an amino acid with highly similar properties. This amino acid position is conserved. In addition, this alteration is predicted to be tolerated by in silico analysis. Based on the available evidence, the clinical significance of this variant remains unclear.